The following is an entry in ClinVar:

ClinVar aggregate classification (germline): Likely benign (1 of 4 stars; one submission).

Submission:

Dasa
Classification: Likely benign. Last evaluated: 2025-12-23. Review status: criteria provided, single submitter. Criteria: DASA Assertion Criteria. Collection method: clinical testing. Allele origin: germline.
Comment: NM_013336.4(SEC61A1):c.-4090C>G is an intronic variant. The variant context is inconsistent with a known disease-causing mechanism. Computational prediction algorithms are consistent with a benign effect. Therefore, based on the currently available evidence, this variant is classified as likely benign.

NM_013336.4(SEC61A1):c.-4090C>G

Gene: SEC61A1 (SEC61 translocon subunit alpha 1; plus strand). Cytogenetic location: 3q21.3.
Variant type: single nucleotide variant.
Coding change: c.-4090C>G on transcript NM_013336.4 (MANE Select); 4090 bases upstream of the start codon, C replaced by G.
Genome position (GRCh38, 1-based): chr3:128,048,463, C>G. VCF-style: chr3-128048463-C-G. GRCh37 (hg19) VCF-style: chr3-127767306-C-G.
Identifiers: ClinVar variation 4856937 (VCV004856937.2).
Genomic context (GRCh38, chr3:128,048,463, plus strand): 5'-GATCACTTGAGGTCAGAAGTTTGAGACCAGCCTGGCCAACATGGCAAAACTCCATCTCTA[C>G]TAAAAATACAAAAATTAGCCAGGTGTGGTGGCGCACGCCTGTAATTCCAGCTACTTGGAA-3'